The following is an entry in ClinVar:

ClinVar aggregate classification (germline): Uncertain significance (1 of 4 stars; one submission).

Conditions:
Hyper-IgE recurrent infection syndrome 1, autosomal dominant. Also called: JOB SYNDROME; Job's Syndrome; STAT3 Hyper IgE Syndrome; Hyper-IgE recurrent infection syndrome 1; HYPER-IgE SYNDROME 1, AUTOSOMAL DOMINANT, WITH RECURRENT INFECTIONS. Identifiers: Orphanet 2314, MedGen C2936739, MONDO:0007818, OMIM 147060.
STAT3 gain of function. Identifiers: MedGen C4288261.

Submission:

Labcorp Genetics (formerly Invitae), Labcorp
Classification: Uncertain significance for STAT3 gain of function; Hyper-IgE recurrent infection syndrome 1, autosomal dominant. Last evaluated: 2023-02-17. Review status: criteria provided, single submitter. Criteria: Invitae Variant Classification Sherloc (09022015). Collection method: clinical testing. Allele origin: germline.
Comment: This sequence change replaces arginine, which is basic and polar, with serine, which is neutral and polar, at codon 379 of the STAT3 protein (p.Arg379Ser). This variant is not present in population databases (gnomAD no frequency). This variant has not been reported in the literature in individuals affected with STAT3-related conditions. An algorithm developed to predict the effect of missense changes on protein structure and function (PolyPhen-2) suggests that this variant is likely to be disruptive. In summary, the available evidence is currently insufficient to determine the role of this variant in disease. Therefore, it has been classified as a Variant of Uncertain Significance.

NM_139276.3(STAT3):c.1137A>T (p.Arg379Ser)

Gene: STAT3 (signal transducer and activator of transcription 3; minus strand). Cytogenetic location: 17q21.2.
Variant type: single nucleotide variant.
Coding change: c.1137A>T on transcript NM_139276.3 (MANE Select); coding-DNA position 1137, A replaced by T.
Protein change: p.Arg379Ser; replaces arginine 379 with serine.
Molecular consequence: missense variant.
Genome position (GRCh38, 1-based): chr17:42,329,749, T>A on the plus strand (A>T on the coding strand, the complement: STAT3 is on the minus strand). VCF-style: chr17-42329749-T-A. GRCh37 (hg19) VCF-style: chr17-40481767-T-A.
Other names: c.1137A>T, p.Arg379Ser (NM_001369512.1, NM_001369513.1, NM_001369514.1 and 12 more transcripts); c.1059A>T, p.Arg353Ser (NM_001384985.1); c.1152A>T, p.Arg384Ser (NM_001384986.1, NM_001384990.1); c.1041A>T, p.Arg347Ser (NM_001384989.1); c.1077A>T, p.Arg359Ser (NM_001384992.1); short protein forms R353S, R379S, R347S, R359S, R384S.
Identifiers: ClinVar variation 2944445 (VCV002944445.3), dbSNP rs2509332100, ClinGen allele CA399589307.